The following is an entry in ClinVar:

ClinVar aggregate classification (germline): Likely pathogenic (1 of 4 stars; one submission).

Conditions:
Familial dysautonomia. Also called: HSAN III; FD. Identifiers: Orphanet 1764, MedGen C0013364, MONDO:0009131, OMIM 223900. Disease mechanism: loss of function.

Submission:

Natera, Inc.
Classification: Likely pathogenic for Familial dysautonomia. Last evaluated: 2024-05-04. Review status: criteria provided, single submitter. Criteria: Natera Variant Classification Schema (03/2026). Collection method: clinical testing. Allele origin: germline.
Comment: The c.2958+1G>T variant in ELP1 is a canonical splice donor site variant predicted to affect pre-mRNA splicing, which may result in an abnormal transcript and altered protein product. This variant is expected to result in nonsense mediated decay, truncation, or a dysfunctional protein product. This variant is rare in the general population with a frequency below the threshold expected for the associated phenotype(s). Given the available evidence, this variant is classified as Likely Pathogenic.

NM_003640.5(ELP1):c.2958+1G>T

Gene: ELP1 (elongator acetyltransferase complex subunit 1; minus strand). Cytogenetic location: 9q31.3.
Variant type: single nucleotide variant.
Coding change: c.2958+1G>T on transcript NM_003640.5 (MANE Select); the canonical splice donor site of the intron after coding-DNA position 2958, G replaced by T.
Molecular consequence: splice donor variant.
Genome position (GRCh38, 1-based): chr9:108,892,985, C>A on the plus strand (G>T on the coding strand, the complement: ELP1 is on the minus strand). VCF-style: chr9-108892985-C-A. GRCh37 (hg19) VCF-style: chr9-111655265-C-A.
Other names: c.2616+1G>T (NM_001318360.2); c.1911+1G>T (NM_001330749.2).
Identifiers: ClinVar variation 4815214 (VCV004815214.1).